The following is an entry in ClinVar:

NM_025137.4(SPG11):c.7083dup (p.Asn2362Ter)

Gene: SPG11 (SPG11 vesicle trafficking associated, spatacsin; minus strand). Cytogenetic location: 15q21.1.
Variant type: Duplication.
Coding change: c.7083dup on transcript NM_025137.4 (MANE Select); coding-DNA position 7083, one base duplicated (T; older notation c.7083dupT).
Protein change: p.Asn2362Ter; replaces asparagine 2362 with a stop codon.
Molecular consequence: nonsense.
Genome position (GRCh38, 1-based): chr15:44,564,615, A duplicated on the plus strand (T on the coding strand, the reverse complement: SPG11 is on the minus strand); the first of 3 consecutive A bases (chr15:44,564,615-44,564,617); duplicating any one gives the same sequence. VCF-style (leftmost placement, unchanged base first): chr15-44564614-T-TA. GRCh37 (hg19) VCF-style: chr15-44856812-T-TA.
Other names: c.6744dup, p.Asn2249Ter (NM_001160227.2); c.6939dup, p.Asn2314Ter (NM_001411132.1); short protein forms N2249*, N2314*, N2362*.
Identifiers: ClinVar variation 2736189 (VCV002736189.3), dbSNP rs2082272257, ClinGen allele CA2695220059.

ClinVar aggregate classification (germline): Pathogenic (1 of 4 stars; one submission).

Conditions:
Hereditary spastic paraplegia 11. Also called: Spastic Paraplegia 11; Spastic paraplegia, mental retardation and thin corpus callosum; SPASTIC PARAPLEGIA, AUTOSOMAL RECESSIVE, COMPLICATED, WITH THIN CORPUS CALLOSUM; SPASTIC PARAPLEGIA, AUTOSOMAL RECESSIVE, WITH MENTAL IMPAIRMENT AND THIN CORPUS CALLOSUM; Nakamura Osame syndrome; Autosomal recessive hereditary spastic paraplegia, mental impairment, and thin corpus callosum. Identifiers: Orphanet 2822, MedGen C1858479, MONDO:0011445, OMIM 604360.

Submission:

Labcorp Genetics (formerly Invitae), Labcorp
Classification: Pathogenic for Hereditary spastic paraplegia 11. Last evaluated: 2023-07-03. Review status: criteria provided, single submitter. Criteria: Invitae Variant Classification Sherloc (09022015). Collection method: clinical testing. Allele origin: germline.
Comment: This sequence change creates a premature translational stop signal (p.Asn2362*) in the SPG11 gene. It is expected to result in an absent or disrupted protein product. Loss-of-function variants in SPG11 are known to be pathogenic (PMID: 19105190, 20110243, 22154821, 26556829). This variant is not present in population databases (gnomAD no frequency). This premature translational stop signal has been observed in individual(s) with SPG11-related conditions (PMID: 27077743). This variant is also known as c.7081insT. For these reasons, this variant has been classified as Pathogenic.

Literature cited by the submitters: PubMed 19105190; PubMed 20110243; PubMed 22154821; PubMed 26556829; PubMed 27077743.